The following is an entry in ClinVar:

ClinVar aggregate classification (germline): Likely benign. Review status: criteria provided, multiple submitters, no conflicts (2 of 4 stars). 2 submissions from 2 submitters: Likely benign (2). Last evaluated 2026-05-01.

Allele frequency attached by ClinVar (database versions not stated): ExAC 0.00012; ESP Exome Variant Server 0.00023; TOPMed 0.00042; gnomAD 0.00043; 1000 Genomes Project 30x 0.00109; 1000 Genomes Project 0.00140.
gnomAD v4.1: 134 of 1,613,638 alleles (0.0083%); highest among the groups gnomAD compares: African/African-American, 0.16%; no homozygotes.

Submissions (2):

CeGaT Center for Human Genetics Tuebingen
Classification: Likely benign. Last evaluated: 2026-05-01. Review status: criteria provided, single submitter. Criteria: CeGaT Center For Human Genetics Tuebingen Variant Classification Criteria Version 2. Collection method: clinical testing. Allele origin: germline. Affected: yes. Observed: 1 variant allele.
Comment: NEFH: BP4, BP7

Labcorp Genetics (formerly Invitae), Labcorp
Classification: Likely benign. Last evaluated: 2025-12-20. Review status: criteria provided, single submitter. Criteria: Invitae Variant Classification Sherloc (09022015). Collection method: clinical testing. Allele origin: germline.

NM_021076.4(NEFH):c.2307A>C (p.Pro769=)

Gene: NEFH (neurofilament heavy chain; plus strand). Cytogenetic location: 22q12.2.
Variant type: single nucleotide variant.
Coding change: c.2307A>C on transcript NM_021076.4 (MANE Select); coding-DNA position 2307, A replaced by C.
Protein change: p.Pro769=; no amino-acid change (proline 769 retained).
Molecular consequence: synonymous variant.
Genome position (GRCh38, 1-based): chr22:29,489,947, A>C. VCF-style: chr22-29489947-A-C. GRCh37 (hg19) VCF-style: chr22-29885936-A-C.
Identifiers: ClinVar variation 740273 (VCV000740273.11), dbSNP rs142984913, ClinGen allele CA10174398.